The following is an entry in ClinVar:

NM_032444.4(SLX4):c.2160+8C>T

Gene: SLX4 (SLX4 structure-specific endonuclease subunit; minus strand). Cytogenetic location: 16p13.3.
Variant type: single nucleotide variant.
Coding change: c.2160+8C>T on transcript NM_032444.4 (MANE Select); 8 bases into the intron after coding-DNA position 2160, C replaced by T.
Molecular consequence: intron variant.
Genome position (GRCh38, 1-based): chr16:3,594,445, G>A on the plus strand (C>T on the coding strand, the complement: SLX4 is on the minus strand). VCF-style: chr16-3594445-G-A. GRCh37 (hg19) VCF-style: chr16-3644446-G-A.
Identifiers: ClinVar variation 1337918 (VCV001337918.14), dbSNP rs374004875, ClinGen allele CA7866273.

ClinVar aggregate classification (germline): Conflicting classifications of pathogenicity. Review status: criteria provided, conflicting classifications (1 of 4 stars). 4 submissions from 4 submitters: Uncertain significance (1); Likely benign (2). 1 of the submissions does not count toward it. Last evaluated 2025-12-16.

Conditions:
Fanconi anemia (FA). Also called: Fanconi's anemia. Identifiers: Orphanet 84, MedGen C0015625, MeSH D005199, MONDO:0019391.
SLX4-related disorder. Also called: SLX4-related condition.

Allele frequency attached by ClinVar (database versions not stated): gnomAD 0.00011; TOPMed 0.00020; ESP Exome Variant Server 0.00023.
gnomAD v4.1: 44 of 1,611,404 alleles (0.0027%); highest among the groups gnomAD compares: African/African-American, 0.045%; no homozygotes.

Submissions (4):

Labcorp Genetics (formerly Invitae), Labcorp
Classification: Likely benign for Fanconi anemia. Last evaluated: 2025-12-16. Review status: criteria provided, single submitter. Criteria: Invitae Variant Classification Sherloc (09022015). Collection method: clinical testing. Allele origin: germline.

Blueprint Genetics
Classification: Likely benign. Last evaluated: 2024-01-23. Review status: criteria provided, single submitter. Criteria: ACMG Guidelines, 2015. Collection method: clinical testing. Allele origin: germline.

Genetic Services Laboratory, University of Chicago
Classification: Uncertain significance. Last evaluated: 2021-04-29. Review status: criteria provided, single submitter. Criteria: ACMG Guidelines, 2015. Collection method: clinical testing. Allele origin: germline. Affected: no.
Comment: DNA sequence analysis of the SLX4 gene demonstrated two sequence changes. The first sequence change was identified in intron 10, c.2160+8C>T. This sequence change has been described in gnomAD with a frequency of 0.025% in the African sub-population (dbSNP rs374004875). This sequence change is not clearly predicted to have a deleterious effect on splicing based on in silico splice prediction programs. It is possible that this sequence change represents a benign sequence change in the SLX4 gene that has not been identified to date. This change does not appear to have been previously described in patients with SLX4-related disorders. The functional significance of this sequence change is not known at present and its contribution to this patient's disease phenotype cannot definitively be determined.

PreventionGenetics, part of Exact Sciences
Classification: Likely benign for SLX4-related condition. Last evaluated: 2021-10-21. Review status: no assertion criteria provided. Collection method: clinical testing. Allele origin: germline. Not counted in ClinVar's aggregate classification.
Comment: This variant is classified as likely benign based on ACMG/AMP sequence variant interpretation guidelines (Richards et al. 2015 PMID: 25741868, with internal and published modifications).